The following is an entry in ClinVar:

ClinVar aggregate classification (germline): Uncertain significance. Review status: criteria provided, multiple submitters, no conflicts (2 of 4 stars). 2 submissions from 2 submitters: Uncertain significance (2). Last evaluated 2025-04-11.

Conditions:
Inborn genetic diseases. Identifiers: MedGen C0950123, MeSH D030342.

Allele frequency attached by ClinVar (database versions not stated): ExAC 0.00001; TOPMed 0.00002.
gnomAD v4.1: 58 of 1,608,508 alleles (0.0036%); highest among the groups gnomAD compares: Middle Eastern, 0.04%; no homozygotes.

Submissions (2):

Ambry Genetics
Classification: Uncertain significance for Inborn genetic diseases. Last evaluated: 2025-04-11. Review status: criteria provided, single submitter. Criteria: Ambry Variant Classification Scheme 2023. Collection method: clinical testing. Allele origin: germline.

Labcorp Genetics (formerly Invitae), Labcorp
Classification: Uncertain significance. Last evaluated: 2024-10-25. Review status: criteria provided, single submitter. Criteria: Invitae Variant Classification Sherloc (09022015). Collection method: clinical testing. Allele origin: germline.
Comment: This sequence change replaces glycine, which is neutral and non-polar, with tryptophan, which is neutral and slightly polar, at codon 585 of the KRT1 protein (p.Gly585Trp). This variant is present in population databases (rs768764062, gnomAD 0.003%). This variant has not been reported in the literature in individuals affected with KRT1-related conditions. ClinVar contains an entry for this variant (Variation ID: 2421192). Invitae Evidence Modeling of protein sequence and biophysical properties (such as structural, functional, and spatial information, amino acid conservation, physicochemical variation, residue mobility, and thermodynamic stability) has been performed for this missense variant. However, the output from this modeling did not meet the statistical confidence thresholds required to predict the impact of this variant on KRT1 protein function. In summary, the available evidence is currently insufficient to determine the role of this variant in disease. Therefore, it has been classified as a Variant of Uncertain Significance.

NM_006121.4(KRT1):c.1753G>T (p.Gly585Trp)

Gene: KRT1 (keratin 1; minus strand). Cytogenetic location: 12q13.13.
Variant type: single nucleotide variant.
Coding change: c.1753G>T on transcript NM_006121.4 (MANE Select); coding-DNA position 1753, G replaced by T.
Protein change: p.Gly585Trp; replaces glycine 585 with tryptophan.
Molecular consequence: missense variant.
Genome position (GRCh38, 1-based): chr12:52,675,375, C>A on the plus strand (G>T on the coding strand, the complement: KRT1 is on the minus strand). VCF-style: chr12-52675375-C-A. GRCh37 (hg19) VCF-style: chr12-53069159-C-A.
Other names: c.1753G>T (NM_006121.3); short protein forms G585W.
Identifiers: ClinVar variation 2421192 (VCV002421192.7), dbSNP rs768764062, ClinGen allele CA6586039.
Genomic context (GRCh38, chr12:52,675,375, plus strand): 5'-CAGAGCCCCGGCCGCCAGAGCTGCCGCCGCCGCCGCCTCCAGAGCCACCTCTGTAGCCCC[C>A]ACTGCTGCTTCCGGAGCCGTAGCTGCCATGGCCGCCGCCGCCACCTCCAGAGCCATAGCT-3'
Protein context (NP_006112.3, residues 575-595): HGSYGSGSSS[Gly585Trp]GYRGGSGGGG